The following is an entry in ClinVar:

ClinVar aggregate classification (germline): Likely pathogenic (1 of 4 stars; one submission).

Conditions:
Biotinidase deficiency. Also called: BTD deficiency; Late-onset biotin-responsive multiple carboxylase deficiency; Biotin deficiency. Identifiers: Orphanet 79241, MedGen C0220754, MONDO:0009665, OMIM 253260.

Submission:

Natera, Inc.
Classification: Likely pathogenic for Biotinidase deficiency. Last evaluated: 2025-10-10. Review status: criteria provided, single submitter. Criteria: Natera Variant Classification Schema (03/2026). Collection method: clinical testing. Allele origin: germline.
Comment: The c.2T>A variant in BTD is predicted to result in start loss due to disruption of the initiator methionine. This variant is expected to result in nonsense mediated decay, truncation, or a dysfunctional protein product. This variant is rare in the general population with a frequency below the threshold expected for the associated phenotype(s). Given the available evidence, this variant is classified as Likely Pathogenic.

NM_000060.4:c.2T>A

Variant type: single nucleotide variant.
Other names: c.2T>A (NM_000060.4).
Identifiers: ClinVar variation 4816008 (VCV004816008.1).